The following is an entry in ClinVar:

ClinVar aggregate classification (germline): Pathogenic. Review status: criteria provided, multiple submitters, no conflicts (2 of 4 stars). 5 submissions from 5 submitters: Pathogenic (4). 1 of the submissions does not count toward it. Last evaluated 2025-07-10.

Conditions:
Hereditary cancer-predisposing syndrome. Also called: Tumor predisposition; Hereditary neoplastic syndrome; Neoplastic Syndromes, Hereditary; Hereditary Cancer Syndrome. Identifiers: Orphanet 140162, MedGen C0027672, MeSH D009386, MONDO:0015356.
Familial cancer of breast. Also called: BREAST CANCER, FAMILIAL; Hereditary breast cancer; hereditary breast carcinoma. Identifiers: Orphanet 227535, MedGen C0346153, MONDO:0016419, OMIM 114480. Disease mechanism: loss of function.
Fanconi anemia complementation group J. Also called: BRIP1-Related Fanconi Anemia. Identifiers: Orphanet 84, MedGen C1836860, MONDO:0012187, OMIM 609054.

Allele frequency attached by ClinVar (database versions not stated): gnomAD exomes below 0.00001; TOPMed below 0.00001; ExAC 0.00001; gnomAD 0.00001.

Submissions (5):

Labcorp Genetics (formerly Invitae), Labcorp
Classification: Pathogenic for Familial cancer of breast; Fanconi anemia complementation group J. Last evaluated: 2025-07-10. Review status: criteria provided, single submitter. Criteria: Invitae Variant Classification Sherloc (09022015). Collection method: clinical testing. Allele origin: germline.
Comment: This sequence change creates a premature translational stop signal (p.Tyr311Phefs*27) in the BRIP1 gene. It is expected to result in an absent or disrupted protein product. Loss-of-function variants in BRIP1 are known to be pathogenic (PMID: 16116423, 17033622, 21964575). This variant is present in population databases (rs587778138, gnomAD 0.003%). This variant has not been reported in the literature in individuals affected with BRIP1-related conditions. ClinVar contains an entry for this variant (Variation ID: 133762). For these reasons, this variant has been classified as Pathogenic.

Ambry Genetics
Classification: Pathogenic for Hereditary cancer-predisposing syndrome. Last evaluated: 2025-03-07. Review status: criteria provided, single submitter. Criteria: Ambry Variant Classification Scheme 2023. Collection method: clinical testing. Allele origin: germline.
Comment: The c.932delA pathogenic mutation, located in coding exon 7 of the BRIP1 gene, results from a deletion of one nucleotide at nucleotide position 932, causing a translational frameshift with a predicted alternate stop codon (p.Y311Ffs*27). This variant is considered to be rare based on population cohorts in the Genome Aggregation Database (gnomAD). This alteration is expected to result in loss of function by premature protein truncation or nonsense-mediated mRNA decay. As such, this alteration is interpreted as a disease-causing mutation.

Myriad Genetics, Inc.
Classification: Pathogenic for Familial cancer of breast. Last evaluated: 2023-06-01. Review status: criteria provided, single submitter. Criteria: Myriad Autosomal Dominant, Autosomal Recessive and X-Linked Classification Criteria (2023). Collection method: clinical testing. Allele origin: unknown.
Comment: This variant is considered pathogenic. This variant creates a frameshift predicted to result in premature protein truncation.

Color Diagnostics, LLC DBA Color Health
Classification: Pathogenic for Hereditary cancer-predisposing syndrome. Last evaluated: 2019-07-22. Review status: criteria provided, single submitter. Criteria: ACMG Guidelines, 2015. Collection method: clinical testing. Allele origin: germline.
Comment: This variant deletes 1 nucleotide in exon 8 of the BRIP1 gene, creating a frameshift and premature translation stop signal. This variant is expected to result in an absent or non-functional protein product. Computational splicing tools suggest that this variant may not impact RNA splicing. To our knowledge, functional assays have not been performed for this variant nor has this variant been reported in individuals affected with hereditary cancer in the literature. This variant has been identified in 1/250932 chromosomes in the general population by the Genome Aggregation Database (gnomAD). Loss of BRIP1 function is a known mechanism of disease. Based on available evidence, this variant is classified as Pathogenic.

ITMI
No classification provided. Condition: AllHighlyPenetrant. Last evaluated: 2013-09-19. Review status: no classification provided. Collection method: reference population. Allele origin: germline. Not counted in ClinVar's aggregate classification.
Comment: Please see associated publication for description of ethnicities

Literature cited by the submitters: PubMed 16116423 (cited by Labcorp Genetics (formerly Invitae), Labcorp); PubMed 17033622 (cited by Labcorp Genetics (formerly Invitae), Labcorp); PubMed 21964575 (cited by Labcorp Genetics (formerly Invitae), Labcorp); PubMed 24728327 (cited by ITMI).

NM_032043.3(BRIP1):c.932del (p.Tyr311fs)

Gene: BRIP1 (BRCA1 interacting DNA helicase 1; minus strand). Cytogenetic location: 17q23.2.
Variant type: Deletion.
Coding change: c.932del on transcript NM_032043.3 (MANE Select); coding-DNA position 932, one base deleted (A; older notation c.932delA).
Protein change: p.Tyr311fs; shifts the reading frame from tyrosine 311.
Molecular consequence: frameshift variant.
Genome position (GRCh38, 1-based): chr17:61,801,461, T deleted on the plus strand (A on the coding strand, the reverse complement: BRIP1 is on the minus strand). VCF-style (leftmost placement, unchanged base first): chr17-61801460-AT-A. GRCh37 (hg19) VCF-style: chr17-59878821-AT-A.
Other names: c.932delA (NM_032043.2); short protein forms Y311fs.
Identifiers: ClinVar variation 133762 (VCV000133762.17), dbSNP rs587778138, ClinGen allele CA157731.